The following is an entry in ClinVar:

NM_001875.5(CPS1):c.1770T>G (p.Tyr590Ter)

Gene: CPS1 (carbamoyl-phosphate synthase 1; plus strand). Cytogenetic location: 2q34.
Variant type: single nucleotide variant.
Coding change: c.1770T>G on transcript NM_001875.5 (MANE Select); coding-DNA position 1770, T replaced by G.
Protein change: p.Tyr590Ter; replaces tyrosine 590 with a stop codon.
Molecular consequence: nonsense. On other transcripts: non-coding transcript variant (2).
Genome position (GRCh38, 1-based): chr2:210,602,264, T>G. VCF-style: chr2-210602264-T-G. GRCh37 (hg19) VCF-style: chr2-211466988-T-G.
Other names: c.1770T>G, p.Tyr590Ter (NM_001122633.3, NM_001369257.1); c.1803T>G, p.Tyr601Ter (NM_001369256.1); short protein forms Y590*, Y601*.
Identifiers: ClinVar variation 1321400 (VCV001321400.1), dbSNP rs1245368879, ClinGen allele CA350437463.

ClinVar aggregate classification (germline): Pathogenic (1 of 4 stars; one submission).

Conditions:
Congenital hyperammonemia, type I. Also called: Carbamoyl phosphate synthetase 1 deficiency; Hyperammonemia due to carbamoyl phosphate synthetase 1 deficiency; CPS 1 deficiency; Carbamyl phosphate synthetase (CPS) deficiency; Carbamoyl phosphate synthetase I deficiency disease; Carbamoyl-phosphate synthase I deficiency. Identifiers: Orphanet 147, MedGen C4082171, MONDO:0009376, OMIM 237300.

Submission:

Women's Health and Genetics/Laboratory Corporation of America, LabCorp
Classification: Pathogenic for Congenital hyperammonemia, type I. Last evaluated: 2021-10-21. Review status: criteria provided, single submitter. Criteria: LabCorp Variant Classification Summary - May 2015. Collection method: clinical testing. Allele origin: germline.
Comment: Variant summary: CPS1 c.1770T>G (p.Tyr590X) results in a premature termination codon, predicted to cause a truncation of the encoded protein or absence of the protein due to nonsense mediated decay, which are commonly known mechanisms for disease. Truncations downstream of this position have been classified as pathogenic by our laboratory. At least one publication reports experimental evidence that this variant affects transcript stability (Eeds_2007). The variant was absent in 250672 control chromosomes (gnomAD). c.1770T>G has been reported in the literature in individuals affected with Carbamoylphosphate Synthetase I Deficiency (Eeds_2007, Haberle_2011). These data indicate that the variant may be associated with disease. No clinical diagnostic laboratories have submitted clinical-significance assessments for this variant to ClinVar after 2014. Based on the evidence outlined above, the variant was classified as pathogenic.

Literature cited by the submitters: PubMed 21120950; PubMed 31507628; PubMed 17357079.